The following is an entry in ClinVar:

ClinVar aggregate classification (germline): Uncertain significance. Review status: criteria provided, multiple submitters, no conflicts (2 of 4 stars). 2 submissions from 2 submitters: Uncertain significance (2). Last evaluated 2025-11-18.

Conditions:
ANKRD1-related dilated cardiomyopathy. Identifiers: MedGen CN119551.
Cardiovascular phenotype. Identifiers: MedGen CN230736.

Allele frequency attached by ClinVar (database versions not stated): gnomAD exomes below 0.00001 and 0.00002; ExAC 0.00002; gnomAD 0.00004 and 0.00005; TOPMed 0.00006; ESP Exome Variant Server 0.00008.
gnomAD v4.1: 12 of 1,613,758 alleles (0.00074%); highest among the groups gnomAD compares: African/African-American, 0.013%; no homozygotes.

Submissions (2):

Labcorp Genetics (formerly Invitae), Labcorp
Classification: Uncertain significance for ANKRD1-related dilated cardiomyopathy. Last evaluated: 2025-11-18. Review status: criteria provided, single submitter. Criteria: Invitae Variant Classification Sherloc (09022015). Collection method: clinical testing. Allele origin: germline.
Comment: This sequence change replaces asparagine, which is neutral and polar, with aspartic acid, which is acidic and polar, at codon 246 of the ANKRD1 protein (p.Asn246Asp). This variant is present in population databases (rs368343038, gnomAD 0.02%). This variant has not been reported in the literature in individuals affected with ANKRD1-related conditions. ClinVar contains an entry for this variant (Variation ID: 572220). Invitae Evidence Modeling of protein sequence and biophysical properties (such as structural, functional, and spatial information, amino acid conservation, physicochemical variation, residue mobility, and thermodynamic stability) indicates that this missense variant is not expected to disrupt ANKRD1 protein function with a negative predictive value of 80%. In summary, the available evidence is currently insufficient to determine the role of this variant in disease. Therefore, it has been classified as a Variant of Uncertain Significance.

Ambry Genetics
Classification: Uncertain significance for Cardiovascular phenotype. Last evaluated: 2024-01-08. Review status: criteria provided, single submitter. Criteria: Ambry Variant Classification Scheme 2023. Collection method: clinical testing. Allele origin: germline.
Comment: The p.N246D variant (also known as c.736A>G), located in coding exon 7 of the ANKRD1 gene, results from an A to G substitution at nucleotide position 736. The asparagine at codon 246 is replaced by aspartic acid, an amino acid with highly similar properties. This amino acid position is well conserved in available vertebrate species. In addition, this alteration is predicted to be tolerated by in silico analysis. The evidence for this gene-disease relationship is limited; therefore, the clinical significance of this alteration is unclear.

NM_014391.3(ANKRD1):c.736A>G (p.Asn246Asp)

Gene: ANKRD1 (ankyrin repeat domain 1; minus strand). Cytogenetic location: 10q23.31.
Variant type: single nucleotide variant.
Coding change: c.736A>G on transcript NM_014391.3 (MANE Select); coding-DNA position 736, A replaced by G.
Protein change: p.Asn246Asp; replaces asparagine 246 with aspartic acid.
Molecular consequence: missense variant.
Genome position (GRCh38, 1-based): chr10:90,915,796, T>C on the plus strand (A>G on the coding strand, the complement: ANKRD1 is on the minus strand). VCF-style: chr10-90915796-T-C. GRCh37 (hg19) VCF-style: chr10-92675553-T-C.
Other names: short protein forms N246D.
Identifiers: ClinVar variation 572220 (VCV000572220.12), dbSNP rs368343038, ClinGen allele CA5598635.